The following is an entry in ClinVar:

ClinVar aggregate classification (germline): Uncertain significance (1 of 4 stars; one submission).

Submission:

Labcorp Genetics (formerly Invitae), Labcorp
Classification: Uncertain significance. Last evaluated: 2025-05-07. Review status: criteria provided, single submitter. Criteria: Invitae Variant Classification Sherloc (09022015). Collection method: clinical testing. Allele origin: germline.
Comment: This sequence change replaces tyrosine, which is neutral and polar, with asparagine, which is neutral and polar, at codon 683 of the TFRC protein (p.Tyr683Asn). This variant is not present in population databases (gnomAD no frequency). This variant has not been reported in the literature in individuals affected with TFRC-related conditions. Invitae Evidence Modeling of protein sequence and biophysical properties (such as structural, functional, and spatial information, amino acid conservation, physicochemical variation, residue mobility, and thermodynamic stability) indicates that this missense variant is not expected to disrupt TFRC protein function with a negative predictive value of 80%. In summary, the available evidence is currently insufficient to determine the role of this variant in disease. Therefore, it has been classified as a Variant of Uncertain Significance.

NM_001128148.3(TFRC):c.2047T>A (p.Tyr683Asn)

Gene: TFRC (transferrin receptor; minus strand). Cytogenetic location: 3q29.
Variant type: single nucleotide variant.
Coding change: c.2047T>A on transcript NM_001128148.3 (MANE Select); coding-DNA position 2047, T replaced by A.
Protein change: p.Tyr683Asn; replaces tyrosine 683 with asparagine.
Molecular consequence: missense variant.
Genome position (GRCh38, 1-based): chr3:196,052,178, A>T on the plus strand (T>A on the coding strand, the complement: TFRC is on the minus strand). VCF-style: chr3-196052178-A-T. GRCh37 (hg19) VCF-style: chr3-195779049-A-T.
Other names: c.1804T>A, p.Tyr602Asn (NM_001313965.2); c.1201T>A, p.Tyr401Asn (NM_001313966.2); c.2047T>A, p.Tyr683Asn (NM_003234.4); short protein forms Y401N, Y602N, Y683N.
Identifiers: ClinVar variation 4744372 (VCV004744372.1).